The following is an entry in ClinVar:

ClinVar aggregate classification (germline): Likely benign (1 of 4 stars; one submission).

gnomAD v4.1: 31 of 398,684 alleles (0.0078%); highest among the groups gnomAD compares: South Asian, 0.089%; 1 homozygote.

Submission:

CeGaT Center for Human Genetics Tuebingen
Classification: Likely benign. Last evaluated: 2025-06-01. Review status: criteria provided, single submitter. Criteria: CeGaT Center For Human Genetics Tuebingen Variant Classification Criteria Version 2. Collection method: clinical testing. Allele origin: germline. Affected: yes. Observed: 4 variant alleles.
Comment: KCNQ1OT1: BS2

NM_000218.3(KCNQ1):c.1514+23885G>C

Genes: KCNQ1 (potassium voltage-gated channel subfamily Q member 1; plus strand), KCNQ1OT1 (KCNQ1 opposite strand/antisense transcript 1; minus strand). Cytogenetic location: 11p15.5.
Variant type: single nucleotide variant.
Coding change: c.1514+23885G>C on transcript NM_000218.3 (MANE Select); 23885 bases into the intron after coding-DNA position 1514, G replaced by C.
Molecular consequence: intron variant. On other transcripts: non-coding transcript variant (1).
Genome position (GRCh38, 1-based): chr11:2,685,966, G>C. VCF-style: chr11-2685966-G-C. GRCh37 (hg19) VCF-style: chr11-2707196-G-C.
Other names: c.974+23885G>C (NM_001406838.1); c.1133+23885G>C (NM_181798.2); c.1244+23885G>C (NM_001406837.1); c.1418+23885G>C (NM_001406836.1).
Identifiers: ClinVar variation 3257252 (VCV003257252.17).